The following is an entry in ClinVar:

NM_001365088.1(SLC12A6):c.97C>G (p.Pro33Ala)

Gene: SLC12A6 (solute carrier family 12 member 6; minus strand). Cytogenetic location: 15q14.
Variant type: single nucleotide variant.
Coding change: c.97C>G on transcript NM_001365088.1 (MANE Select); coding-DNA position 97, C replaced by G.
Protein change: p.Pro33Ala; replaces proline 33 with alanine.
Molecular consequence: missense variant. On other transcripts: 5 prime UTR variant (2).
Genome position (GRCh38, 1-based): chr15:34,336,584, G>C on the plus strand (C>G on the coding strand, the complement: SLC12A6 is on the minus strand). VCF-style: chr15-34336584-G-C. GRCh37 (hg19) VCF-style: chr15-34628785-G-C.
Other names: c.-81C>G (NM_001042494.2, NM_001042495.2); c.70C>G, p.Pro24Ala (NM_001042496.2); c.97C>G, p.Pro33Ala (NM_001042497.2, NM_133647.2); short protein forms P24A, P33A.
Identifiers: ClinVar variation 1304485 (VCV001304485.5), dbSNP rs767685808, ClinGen allele CA7464716.

ClinVar aggregate classification (germline): Uncertain significance. Review status: criteria provided, multiple submitters, no conflicts (2 of 4 stars). 3 submissions from 3 submitters: Uncertain significance (3). Last evaluated 2024-10-16.

Conditions:
Agenesis of the corpus callosum with peripheral neuropathy (ACCPN). Also called: CHARLEVOIX DISEASE; Hereditary Motor and Sensory Neuropathy with Agenesis of the Corpus Callosum; HMSN/ACC; POLYNEUROPATHY, SENSORIMOTOR, WITH OR WITHOUT AGENESIS OF THE CORPUS CALLOSUM. Identifiers: Orphanet 1496, MedGen C0795950, MONDO:0000902, OMIM 218000. Disease mechanism: loss of function.
Charcot-Marie-Tooth disease, axonal, IIa 2II. Also called: CHARCOT-MARIE-TOOTH NEUROPATHY, TYPE 2II; Charcot-Marie-Tooth disease, axonal, type 2II; Charcot-marie-tooth disease, axonal,IIa 2II. Identifiers: MedGen C5774227, MONDO:0031068, OMIM 620068.

Allele frequency attached by ClinVar (database versions not stated): ExAC 0.00001; gnomAD exomes 0.00001.
gnomAD v4.1: 15 of 1,613,764 alleles (0.00093%); highest among the groups gnomAD compares: Non-Finnish European, 0.0012%; no homozygotes.

Submissions (3):

Labcorp Genetics (formerly Invitae), Labcorp
Classification: Uncertain significance. Last evaluated: 2024-10-16. Review status: criteria provided, single submitter. Criteria: Invitae Variant Classification Sherloc (09022015). Collection method: clinical testing. Allele origin: germline.
Comment: This sequence change replaces proline, which is neutral and non-polar, with alanine, which is neutral and non-polar, at codon 33 of the SLC12A6 protein (p.Pro33Ala). This variant is present in population databases (rs767685808, gnomAD 0.003%). This variant has not been reported in the literature in individuals affected with SLC12A6-related conditions. ClinVar contains an entry for this variant (Variation ID: 1304485). Invitae Evidence Modeling of protein sequence and biophysical properties (such as structural, functional, and spatial information, amino acid conservation, physicochemical variation, residue mobility, and thermodynamic stability) indicates that this missense variant is not expected to disrupt SLC12A6 protein function with a negative predictive value of 95%. In summary, the available evidence is currently insufficient to determine the role of this variant in disease. Therefore, it has been classified as a Variant of Uncertain Significance.

Department of Pathology and Laboratory Medicine, Sinai Health System
Classification: Uncertain significance for Agenesis of the corpus callosum with peripheral neuropathy; Charcot-Marie-Tooth disease, axonal, IIa 2II. Last evaluated: 2022-11-21. Review status: criteria provided, single submitter. Criteria: ACMG Guidelines, 2015. Collection method: research. Allele origin: germline.

GeneDx
Classification: Uncertain significance. Last evaluated: 2019-01-11. Review status: criteria provided, single submitter. Criteria: GeneDx Variant Classification Process June 2021. Collection method: clinical testing. Allele origin: germline. Affected: yes.
Comment: Not observed at a significant frequency in large population cohorts (Lek et al., 2016); In silico analysis, which includes protein predictors and evolutionary conservation, supports a deleterious effect; Has not been previously published as pathogenic or benign to our knowledge